The following is an entry in ClinVar:

NM_001457.4(FLNB):c.4015A>G (p.Lys1339Glu)

Gene: FLNB (filamin B; plus strand). Cytogenetic location: 3p14.3.
Variant type: single nucleotide variant.
Coding change: c.4015A>G on transcript NM_001457.4 (MANE Select); coding-DNA position 4015, A replaced by G.
Protein change: p.Lys1339Glu; replaces lysine 1339 with glutamic acid.
Molecular consequence: missense variant.
Genome position (GRCh38, 1-based): chr3:58,125,697, A>G. VCF-style: chr3-58125697-A-G. GRCh37 (hg19) VCF-style: chr3-58111424-A-G.
Other names: c.4015A>G, p.Lys1339Glu (NM_001164317.2, NM_001164318.2, NM_001164319.2); short protein forms K1339E.
Identifiers: ClinVar variation 1359060 (VCV001359060.8), dbSNP rs2107184731, ClinGen allele CA353350006.

ClinVar aggregate classification (germline): Uncertain significance (1 of 4 stars; one submission).

Allele frequency attached by ClinVar (database versions not stated): gnomAD exomes 0.00002.
gnomAD v4.1: 25 of 1,614,176 alleles (0.0015%); highest among the groups gnomAD compares: Non-Finnish European, 0.0021%; no homozygotes.

Submission:

Labcorp Genetics (formerly Invitae), Labcorp
Classification: Uncertain significance. Last evaluated: 2024-07-02. Review status: criteria provided, single submitter. Criteria: Invitae Variant Classification Sherloc (09022015). Collection method: clinical testing. Allele origin: germline.
Comment: This sequence change replaces lysine, which is basic and polar, with glutamic acid, which is acidic and polar, at codon 1339 of the FLNB protein (p.Lys1339Glu). This variant is not present in population databases (gnomAD no frequency). This variant has not been reported in the literature in individuals affected with FLNB-related conditions. ClinVar contains an entry for this variant (Variation ID: 1359060). Advanced modeling of protein sequence and biophysical properties (such as structural, functional, and spatial information, amino acid conservation, physicochemical variation, residue mobility, and thermodynamic stability) performed at Invitae indicates that this missense variant is not expected to disrupt FLNB protein function with a negative predictive value of 95%. In summary, the available evidence is currently insufficient to determine the role of this variant in disease. Therefore, it has been classified as a Variant of Uncertain Significance.